The following is an entry in ClinVar:

NM_001605.3(AARS1):c.1727T>C (p.Ile576Thr)

Gene: AARS1 (alanyl-tRNA synthetase 1; minus strand). Cytogenetic location: 16q22.1.
Variant type: single nucleotide variant.
Coding change: c.1727T>C on transcript NM_001605.3 (MANE Select); coding-DNA position 1727, T replaced by C.
Protein change: p.Ile576Thr; replaces isoleucine 576 with threonine.
Molecular consequence: missense variant.
Genome position (GRCh38, 1-based): chr16:70,261,102, A>G on the plus strand (T>C on the coding strand, the complement: AARS1 is on the minus strand). VCF-style: chr16-70261102-A-G. GRCh37 (hg19) VCF-style: chr16-70295005-A-G.
Other names: short protein forms I576T.
Identifiers: ClinVar variation 1682205 (VCV001682205.8), dbSNP rs753863962, ClinGen allele CA8140704.
Genomic context (GRCh38, chr16:70,261,102, plus strand): 5'-ACCTCATCAATAAACAGCCAGACCTGATCCCCCACTTTCAGGTCACCGTAGATGGTTCCA[A>G]TGTGTAGCACATACCCTCCTCGGACCTGAGCATTCTTCACTGTAAACTCTGTTTTCTAAG-3'
Protein context (NP_001596.2, residues 566-586): AQVRGGYVLH[Ile576Thr]GTIYGDLKVG

ClinVar aggregate classification (germline): Uncertain significance (1 of 4 stars; one submission).

Conditions:
Charcot-Marie-Tooth disease type 2. Also called: Charcot-Marie-Tooth type 2. Identifiers: Orphanet 64746, MedGen C0270914, MONDO:0018993.

Allele frequency attached by ClinVar (database versions not stated): ExAC 0.00002; gnomAD exomes 0.00001.
gnomAD v4.1: 4 of 1,613,920 alleles (0.00025%); highest among the groups gnomAD compares: East Asian, 0.0022%; no homozygotes.

Submission:

Labcorp Genetics (formerly Invitae), Labcorp
Classification: Uncertain significance for Charcot-Marie-Tooth disease type 2. Last evaluated: 2023-08-17. Review status: criteria provided, single submitter. Criteria: Invitae Variant Classification Sherloc (09022015). Collection method: clinical testing. Allele origin: germline.
Comment: This variant is present in population databases (rs753863962, gnomAD 0.0009%). This sequence change replaces isoleucine, which is neutral and non-polar, with threonine, which is neutral and polar, at codon 576 of the AARS protein (p.Ile576Thr). This variant has not been reported in the literature in individuals affected with AARS-related conditions. ClinVar contains an entry for this variant (Variation ID: 1682205). In summary, the available evidence is currently insufficient to determine the role of this variant in disease. Therefore, it has been classified as a Variant of Uncertain Significance. Advanced modeling of protein sequence and biophysical properties (such as structural, functional, and spatial information, amino acid conservation, physicochemical variation, residue mobility, and thermodynamic stability) performed at Invitae indicates that this missense variant is not expected to disrupt AARS protein function.